The following is an entry in ClinVar:

ClinVar aggregate classification (germline): Uncertain significance (1 of 4 stars; one submission).

Conditions:
Inborn genetic diseases. Identifiers: MedGen C0950123, MeSH D030342.

Allele frequency attached by ClinVar (database versions not stated): ExAC 0.00002.
gnomAD v4.1: 3 of 1,595,452 alleles (0.00019%); highest among the groups gnomAD compares: South Asian, 0.0033%; no homozygotes.

Submission:

Ambry Genetics
Classification: Uncertain significance for Inborn genetic diseases. Last evaluated: 2019-02-11. Review status: criteria provided, single submitter. Criteria: Ambry Variant Classification Scheme 2023. Collection method: clinical testing. Allele origin: germline.
Comment: The p.A2080S variant (also known as c.6238G>T), located in coding exon 7 of the ANKRD11 gene, results from a G to T substitution at nucleotide position 6238. The alanine at codon 2080 is replaced by serine, an amino acid with similar properties. This amino acid position is poorly conserved in available vertebrate species. In addition, this alteration is predicted to be tolerated by in silico analysis. Since supporting evidence is limited at this time, the clinical significance of this alteration remains unclear.

NM_013275.6(ANKRD11):c.6238G>T (p.Ala2080Ser)

Gene: ANKRD11 (ankyrin repeat domain containing 11; minus strand). Cytogenetic location: 16q24.3.
Variant type: single nucleotide variant.
Coding change: c.6238G>T on transcript NM_013275.6 (MANE Select); coding-DNA position 6238, G replaced by T.
Protein change: p.Ala2080Ser; replaces alanine 2080 with serine.
Molecular consequence: missense variant.
Genome position (GRCh38, 1-based): chr16:89,280,304, C>A on the plus strand (G>T on the coding strand, the complement: ANKRD11 is on the minus strand). VCF-style: chr16-89280304-C-A. GRCh37 (hg19) VCF-style: chr16-89346712-C-A.
Other names: c.6238G>T, p.Ala2080Ser (NM_001256182.2, NM_001256183.2); short protein forms A2080S.
Identifiers: ClinVar variation 1752366 (VCV001752366.2), dbSNP rs778852816, ClinGen allele CA8241521.